The following is an entry in ClinVar:

NM_001142800.2(EYS):c.592T>A (p.Tyr198Asn)

Gene: EYS (EGF-like photoreceptor maintenance factor; minus strand). Cytogenetic location: 6q12.
Variant type: single nucleotide variant.
Coding change: c.592T>A on transcript NM_001142800.2 (MANE Select); coding-DNA position 592, T replaced by A.
Protein change: p.Tyr198Asn; replaces tyrosine 198 with asparagine.
Molecular consequence: missense variant.
Genome position (GRCh38, 1-based): chr6:65,494,819, A>T on the plus strand (T>A on the coding strand, the complement: EYS is on the minus strand). VCF-style: chr6-65494819-A-T. GRCh37 (hg19) VCF-style: chr6-66204712-A-T.
Other names: c.592T>A, p.Tyr198Asn (NM_001142801.2, NM_001292009.2, NM_198283.2); short protein forms Y198N.
Identifiers: ClinVar variation 357747 (VCV000357747.11), dbSNP rs886061686, ClinGen allele CA10627398.

ClinVar aggregate classification (germline): Uncertain significance. Review status: criteria provided, multiple submitters, no conflicts (2 of 4 stars). 2 submissions from 2 submitters: Uncertain significance (2). Last evaluated 2023-05-08.

Conditions:
Retinitis pigmentosa (RP). Identifiers: Orphanet 791, MedGen C0035334, MeSH D012174, MONDO:0019200, OMIM 268000. Inheritance: Autosomal dominant, autosomal recessive and X linked inheritance.

Allele frequency attached by ClinVar (database versions not stated): gnomAD 0.00001.
gnomAD v4.1: 19 of 1,613,966 alleles (0.0012%); highest among the groups gnomAD compares: Non-Finnish European, 0.0016%; no homozygotes.

Submissions (2):

Labcorp Genetics (formerly Invitae), Labcorp
Classification: Uncertain significance. Last evaluated: 2023-05-08. Review status: criteria provided, single submitter. Criteria: Invitae Variant Classification Sherloc (09022015). Collection method: clinical testing. Allele origin: germline.
Comment: This sequence change replaces tyrosine, which is neutral and polar, with asparagine, which is neutral and polar, at codon 198 of the EYS protein (p.Tyr198Asn). This variant is present in population databases (no rsID available, gnomAD 0.01%). This missense change has been observed in individual(s) with retinitis pigmentosa (Invitae). ClinVar contains an entry for this variant (Variation ID: 357747). In summary, the available evidence is currently insufficient to determine the role of this variant in disease. Therefore, it has been classified as a Variant of Uncertain Significance. Advanced modeling of protein sequence and biophysical properties (such as structural, functional, and spatial information, amino acid conservation, physicochemical variation, residue mobility, and thermodynamic stability) has been performed at Invitae for this missense variant, however the output from this modeling did not meet the statistical confidence thresholds required to predict the impact of this variant on EYS protein function.

Illumina Laboratory Services, Illumina
Classification: Uncertain significance for Retinitis pigmentosa. Last evaluated: 2018-01-13. Review status: criteria provided, single submitter. Criteria: ICSL Variant Classification Criteria 13 December 2019. Collection method: clinical testing. Allele origin: germline.